The following is an entry in ClinVar:

NM_001291303.3(FAT4):c.14120C>A (p.Pro4707His)

Gene: FAT4 (FAT atypical cadherin 4; plus strand). Cytogenetic location: 4q28.1.
Variant type: single nucleotide variant.
Coding change: c.14120C>A on transcript NM_001291303.3 (MANE Select); coding-DNA position 14120, C replaced by A.
Protein change: p.Pro4707His; replaces proline 4707 with histidine.
Molecular consequence: missense variant.
Genome position (GRCh38, 1-based): chr4:125,490,936, C>A. VCF-style: chr4-125490936-C-A. GRCh37 (hg19) VCF-style: chr4-126412091-C-A.
Other names: c.14117C>A, p.Pro4706His (NM_001291285.3); c.14114C>A, p.Pro4705His (NM_024582.6); short protein forms P4705H, P4706H, P4707H.
Identifiers: ClinVar variation 3237394 (VCV003237394.1), dbSNP rs1434339492.

ClinVar aggregate classification (germline): Uncertain significance (1 of 4 stars; one submission).

Conditions:
Hennekam lymphangiectasia-lymphedema syndrome 2 (HKLLS2). Identifiers: Orphanet 2136, MedGen C4014939, MONDO:0014454, OMIM 616006.

Allele frequency attached by ClinVar (database versions not stated): TOPMed below 0.00001; gnomAD 0.00001.
gnomAD v4.1: 2 of 1,614,102 alleles (0.00012%); highest among the groups gnomAD compares: African/African-American, 0.0027%; no homozygotes.

Submission:

Clinical Genomics Laboratory, Washington University in St. Louis
Classification: Uncertain significance for Hennekam lymphangiectasia-lymphedema syndrome 2. Last evaluated: 2024-05-08. Review status: criteria provided, single submitter. Criteria: ACMG Guidelines, 2015. Collection method: clinical testing. Allele origin: germline.
Comment: A FAT4 c.14120C>A (p.Pro4707His) variant was identified at an allelic fraction of 50.1%, which may be consistent with it being of germline origin. This variant, to our knowledge, has not been reported in the medical literature. It is only observed on 2/152,216 alleles in the general population (gnomAD v.4.1.0), indicating that it is not a common variant. Computational predictors are uncertain as to the impact of this variant on FAT4 function. Due to limited information, and based on ACMG/AMP guidelines for variant interpretation (Richards S et al., PMID: 25741868), the clinical significance of this variant is uncertain at this time.